The following is an entry in ClinVar:

ClinVar aggregate classification (germline): Pathogenic (1 of 4 stars; one submission).

Conditions:
Retinoblastoma (RB1). Also called: RETINOBLASTOMA, SOMATIC. Identifiers: Orphanet 790, MedGen C0035335, MeSH D012175, MONDO:0008380, OMIM 180200, HP:0009919. Disease mechanism: loss of function. Inheritance: Both sporadic and heritable forms are tested..

Submission:

Genetic Diagnostic Laboratory, University of Pennsylvania School of Medicine
Classification: Pathogenic for Retinoblastoma. Last evaluated: 2024-05-20. Review status: criteria provided, single submitter. Criteria: ACMG Guidelines, 2015. Collection method: clinical testing. Allele origin: germline. Affected: yes. Observed: 1 variant allele.
Comment: Case and Pedigree Information: BILATERAL CASES:1, UNILATERAL CASES:0, TOTAL CASES:1, PEDIGREES:1. ACMG Codes Applied:PVS1, PM2

NM_000321.3(RB1):c.2325+1del

Gene: RB1 (RB transcriptional corepressor 1; plus strand). Cytogenetic location: 13q14.2.
Variant type: Deletion.
Coding change: c.2325+1del on transcript NM_000321.3 (MANE Select); the canonical splice donor site of the intron after coding-DNA position 2325, one base deleted (G; older notation c.2325+1delG).
Molecular consequence: splice donor variant.
Genome position (GRCh38, 1-based): chr13:48,465,112, G deleted; the last of 3 consecutive G bases (chr13:48,465,110-48,465,112); deleting any one gives the same sequence. VCF-style (leftmost placement, unchanged base first): chr13-48465109-AG-A. GRCh37 (hg19) VCF-style: chr13-49039245-AG-A.
Other names: c.2325+1del (NM_001407165.1).
Identifiers: ClinVar variation 3237085 (VCV003237085.1), dbSNP rs2542375425.